The following is an entry in ClinVar:

ClinVar aggregate classification (germline): Uncertain significance (1 of 4 stars; one submission).

Conditions:
Inborn genetic diseases. Identifiers: MedGen C0950123, MeSH D030342.

gnomAD v4.1: 4 of 1,613,948 alleles (0.00025%); highest among the groups gnomAD compares: African/African-American, 0.004%; no homozygotes.

Submission:

Ambry Genetics
Classification: Uncertain significance for Inborn genetic diseases. Last evaluated: 2025-04-20. Review status: criteria provided, single submitter. Criteria: Ambry Variant Classification Scheme 2023. Collection method: clinical testing. Allele origin: germline.
Comment: The p.K229Q variant (also known as c.685A>C), located in coding exon 5 of the MECOM gene, results from an A to C substitution at nucleotide position 685. The lysine at codon 229 is replaced by glutamine, an amino acid with similar properties. This amino acid position is conserved. In addition, the in silico prediction for this alteration is inconclusive. Based on the available evidence, the clinical significance of this variant remains unclear.

NM_004991.4(MECOM):c.685A>C (p.Lys229Gln)

Gene: MECOM (MDS1 and EVI1 complex locus; minus strand). Cytogenetic location: 3q26.2.
Variant type: single nucleotide variant.
Coding change: c.685A>C on transcript NM_004991.4 (MANE Select); coding-DNA position 685, A replaced by C.
Protein change: p.Lys229Gln; replaces lysine 229 with glutamine.
Molecular consequence: missense variant.
Genome position (GRCh38, 1-based): chr3:169,127,989, T>G on the plus strand (A>C on the coding strand, the complement: MECOM is on the minus strand). VCF-style: chr3-169127989-T-G. GRCh37 (hg19) VCF-style: chr3-168845777-T-G.
Other names: c.313A>C, p.Lys105Gln (NM_001105077.4); c.121A>C, p.Lys41Gln (NM_001105078.4, NM_001163999.2, NM_001164000.2 and 9 more transcripts); c.685A>C, p.Lys229Gln (NM_001366466.2, NM_001366473.2); short protein forms K229Q, K105Q, K41Q.
Identifiers: ClinVar variation 4053210 (VCV004053210.1).
Genomic context (GRCh38, chr3:169,127,989, plus strand): 5'-TTTGCTGAAAGTCCTCTTCAACCATTGAAAATGCTGAGTGAGGAGTACTGCATGGAAACT[T>G]TTGGTGATCTGCTAGTTCAGCCTTAGATTCAAAGAGCTGGTCACAGTCTTCGCAGCGATA-3'
Protein context (NP_004982.2, residues 219-239): ESKAELADHQ[Lys229Gln]FPCSTPHSAF